The following is an entry in ClinVar:

ClinVar aggregate classification (germline): Uncertain significance. Review status: criteria provided, multiple submitters, no conflicts (2 of 4 stars). 3 submissions from 3 submitters: Uncertain significance (3). Last evaluated 2025-09-18.

Conditions:
DICER1-related tumor predisposition. Also called: DICER1-related pleuropulmonary blastoma cancer predisposition syndrome; DICER1 syndrome. Identifiers: Orphanet 284343, MedGen C3839822, MONDO:0100216.
Euthyroid goiter (MNG1). Also called: Goiter, multinodular 1, with or without Sertoli-Leydig cell tumors; GOITER, NONTOXIC, WITH INTRATHYROIDAL CALCIFICATION; MULTINODULAR GOITER, ADOLESCENT; SIMPLE GOITER. Identifiers: Orphanet 276399, MedGen C0302859, MONDO:0007681, OMIM 138800, HP:0009798.
Rhabdomyosarcoma, embryonal, 2 (RMSE2). Identifiers: MedGen C1867234, MONDO:0859046, OMIM 180295.
Hereditary cancer-predisposing syndrome. Also called: Neoplastic Syndromes, Hereditary; Tumor predisposition; Hereditary Cancer Syndrome; Hereditary neoplastic syndrome. Identifiers: Orphanet 140162, MedGen C0027672, MeSH D009386, MONDO:0015356.

Allele frequency attached by ClinVar (database versions not stated): TOPMed below 0.00001.

Submissions (3):

Ambry Genetics
Classification: Uncertain significance for Hereditary cancer-predisposing syndrome. Last evaluated: 2025-09-18. Review status: criteria provided, single submitter. Criteria: Ambry Variant Classification Scheme 2023. Collection method: clinical testing. Allele origin: germline.
Comment: The p.I1297T variant (also known as c.3890T>C), located in coding exon 20 of the DICER1 gene, results from a T to C substitution at nucleotide position 3890. The isoleucine at codon 1297 is replaced by threonine, an amino acid with similar properties. This amino acid position is highly conserved in available vertebrate species. In addition, this alteration is predicted to be deleterious by in silico analysis. Since supporting evidence is limited at this time, the clinical significance of this alteration remains unclear.

Labcorp Genetics (formerly Invitae), Labcorp
Classification: Uncertain significance for DICER1-related tumor predisposition. Last evaluated: 2025-07-20. Review status: criteria provided, single submitter. Criteria: Invitae Variant Classification Sherloc (09022015). Collection method: clinical testing. Allele origin: germline.
Comment: This sequence change replaces isoleucine, which is neutral and non-polar, with threonine, which is neutral and polar, at codon 1297 of the DICER1 protein (p.Ile1297Thr). This variant is present in population databases (rs761578934, gnomAD 0.002%). This variant has not been reported in the literature in individuals affected with DICER1-related conditions. ClinVar contains an entry for this variant (Variation ID: 543654). Invitae Evidence Modeling of protein sequence and biophysical properties (such as structural, functional, and spatial information, amino acid conservation, physicochemical variation, residue mobility, and thermodynamic stability) has been performed for this missense variant. However, the output from this modeling did not meet the statistical confidence thresholds required to predict the impact of this variant on DICER1 protein function. In summary, the available evidence is currently insufficient to determine the role of this variant in disease. Therefore, it has been classified as a Variant of Uncertain Significance.

Fulgent Genetics
Classification: Uncertain significance for Euthyroid goiter; Rhabdomyosarcoma, embryonal, 2; Pleuropulmonary blastoma. Last evaluated: 2018-10-31. Review status: criteria provided, single submitter. Criteria: ACMG Guidelines, 2015. Collection method: clinical testing. Allele origin: unknown.

NM_177438.3(DICER1):c.3890T>C (p.Ile1297Thr)

Gene: DICER1 (dicer 1, ribonuclease III; minus strand). Cytogenetic location: 14q32.13.
Variant type: single nucleotide variant.
Coding change: c.3890T>C on transcript NM_177438.3 (MANE Select); coding-DNA position 3890, T replaced by C.
Protein change: p.Ile1297Thr; replaces isoleucine 1297 with threonine.
Molecular consequence: missense variant.
Genome position (GRCh38, 1-based): chr14:95,103,506, A>G on the plus strand (T>C on the coding strand, the complement: DICER1 is on the minus strand). VCF-style: chr14-95103506-A-G. GRCh37 (hg19) VCF-style: chr14-95569843-A-G.
Other names: c.3890T>C, p.Ile1297Thr (NM_001195573.1, NM_001271282.3, NM_001291628.2 and 1 more transcripts); short protein forms I1297T.
Identifiers: ClinVar variation 543654 (VCV000543654.19), dbSNP rs761578934, ClinGen allele CA7330972.